The following is an entry in ClinVar:

ClinVar aggregate classification (germline): Likely pathogenic (1 of 4 stars; one submission).

Conditions:
Gamma-aminobutyric acid transaminase deficiency (GABATD). Also called: GABA transaminase deficiency; Gamma aminobutyrate transaminase deficiency; 4 alpha aminobutyrate transaminase deficiency; GABA aminotransaminase deficiency. Identifiers: Orphanet 2066, MedGen C0342708, MONDO:0013166, OMIM 613163.

Allele frequency attached by ClinVar (database versions not stated): gnomAD exomes 0.00001; ExAC 0.00002.
gnomAD v4.1: 6 of 1,614,070 alleles (0.00037%); highest among the groups gnomAD compares: Non-Finnish European, 0.00042%; no homozygotes.

Submission:

Labcorp Genetics (formerly Invitae), Labcorp
Classification: Likely pathogenic for Gamma-aminobutyric acid transaminase deficiency. Last evaluated: 2022-01-26. Review status: criteria provided, single submitter. Criteria: Invitae Variant Classification Sherloc (09022015). Collection method: clinical testing. Allele origin: germline.
Comment: Algorithms developed to predict the effect of sequence changes on RNA splicing suggest that this variant may disrupt the consensus splice site. In summary, the currently available evidence indicates that the variant is pathogenic, but additional data are needed to prove that conclusively. Therefore, this variant has been classified as Likely Pathogenic. This variant has not been reported in the literature in individuals affected with ABAT-related conditions. This variant is present in population databases (rs748719662, gnomAD 0.003%). This sequence change affects an acceptor splice site in intron 5 of the ABAT gene. It is expected to disrupt RNA splicing. Variants that disrupt the donor or acceptor splice site typically lead to a loss of protein function (PMID: 16199547), and loss-of-function variants in ABAT are known to be pathogenic (PMID: 20052547, 25738457).

Literature cited by the submitters: PubMed 16199547; PubMed 20052547; PubMed 25738457.

NM_020686.6(ABAT):c.317-2A>G

Gene: ABAT (4-aminobutyrate aminotransferase; plus strand). Cytogenetic location: 16p13.2.
Variant type: single nucleotide variant.
Coding change: c.317-2A>G on transcript NM_020686.6 (MANE Select); the canonical splice acceptor site of the intron before coding-DNA position 317, A replaced by G.
Molecular consequence: splice acceptor variant.
Genome position (GRCh38, 1-based): chr16:8,757,755, A>G. VCF-style: chr16-8757755-A-G. GRCh37 (hg19) VCF-style: chr16-8851612-A-G.
Other names: c.317-2A>G (NM_001386602.1, NM_001386609.1, NM_001386605.1 and 10 more transcripts); c.413-2A>G (NM_001386615.1); c.182-2A>G (NM_001386610.1, NM_001386611.1, NM_001386612.1 and 1 more transcripts); c.71-2A>G (NM_001386614.1).
Identifiers: ClinVar variation 2139428 (VCV002139428.4), dbSNP rs748719662, ClinGen allele CA7893072.
Genomic context (GRCh38, chr16:8,757,755, plus strand): 5'-GGGAGGGGCATGGGGAACCCTTGGATGCAATGAGGTCTCTAACAATACTCTCCTGCCCTC[A>G]GGTTACAGCCACCCCGCCCTGCTGAAACTCATCCAACAGCCTCAAAATGCGGTAGGTCTT-3'